The following is an entry in ClinVar:

ClinVar aggregate classification (germline): Uncertain significance. Review status: criteria provided, multiple submitters, no conflicts (2 of 4 stars). 2 submissions from 2 submitters: Uncertain significance (2). Last evaluated 2024-12-23.

Conditions:
Cardiomyopathy (CMYO). Also called: Cardiomyopathies. Identifiers: Orphanet 167848, MedGen C0878544, MONDO:0004994, HP:0001638. Inheritance: Various modes of inheritance.
Hypertrophic cardiomyopathy 10. Also called: CARDIOMYOPATHY, HYPERTROPHIC, MID-LEFT VENTRICULAR CHAMBER TYPE, 2; MYL2-Related Familial Hypertrophic Cardiomyopathy. Identifiers: MedGen C1834460, MONDO:0012112, OMIM 608758.

Submissions (2):

Color Diagnostics, LLC DBA Color Health
Classification: Uncertain significance for Cardiomyopathy. Last evaluated: 2024-12-23. Review status: criteria provided, single submitter. Criteria: ACMG Guidelines, 2015. Collection method: clinical testing. Allele origin: germline.
Comment: This missense variant replaces proline with histidine at codon 144 of the MYL2 protein. Computational prediction suggests that this variant may have a deleterious impact on protein structure and function. To our knowledge, functional studies have not been reported for this variant. This variant has been reported in an individual affected with hypertrophic cardiomyopathy (PMID: 38757491). This variant has not been identified in the general population by the Genome Aggregation Database (gnomAD). The available evidence is insufficient to determine the role of this variant in disease conclusively. Therefore, this variant is classified as a Variant of Uncertain Significance.

Labcorp Genetics (formerly Invitae), Labcorp
Classification: Uncertain significance for Hypertrophic cardiomyopathy 10. Last evaluated: 2024-09-03. Review status: criteria provided, single submitter. Criteria: Invitae Variant Classification Sherloc (09022015). Collection method: clinical testing. Allele origin: germline.
Comment: This sequence change replaces proline, which is neutral and non-polar, with histidine, which is basic and polar, at codon 144 of the MYL2 protein (p.Pro144His). This variant is not present in population databases (gnomAD no frequency). This variant has not been reported in the literature in individuals affected with MYL2-related conditions. ClinVar contains an entry for this variant (Variation ID: 858912). An algorithm developed to predict the effect of missense changes on protein structure and function (PolyPhen-2) suggests that this variant is likely to be disruptive. In summary, the available evidence is currently insufficient to determine the role of this variant in disease. Therefore, it has been classified as a Variant of Uncertain Significance.

Literature cited by the submitters: PubMed 38757491 (cited by Color Diagnostics, LLC DBA Color Health).

NM_000432.4(MYL2):c.431C>A (p.Pro144His)

Gene: MYL2 (myosin light chain 2; minus strand). Cytogenetic location: 12q24.11.
Variant type: single nucleotide variant.
Coding change: c.431C>A on transcript NM_000432.4 (MANE Select); coding-DNA position 431, C replaced by A.
Protein change: p.Pro144His; replaces proline 144 with histidine.
Molecular consequence: missense variant.
Genome position (GRCh38, 1-based): chr12:110,911,147, G>T on the plus strand (C>A on the coding strand, the complement: MYL2 is on the minus strand). VCF-style: chr12-110911147-G-T. GRCh37 (hg19) VCF-style: chr12-111348951-G-T.
Other names: short protein forms P144H.
Identifiers: ClinVar variation 858912 (VCV000858912.9), dbSNP rs755993281, ClinGen allele CA386696930.